The following is an entry in ClinVar:

ClinVar aggregate classification (germline): Uncertain significance (1 of 4 stars; one submission).

Conditions:
Familial hemophagocytic lymphohistiocytosis 3 (FHL3). Also called: UNC13D-Related Familial Hemophagocytic Lymphohistiocytosis (UNC13D-fHLH). Identifiers: Orphanet 540, MedGen C1837174, MONDO:0012146, OMIM 608898.

Allele frequency attached by ClinVar (database versions not stated): gnomAD below 0.00001 and 0.00002; gnomAD exomes below 0.00001 and 0.00001; ExAC 0.00001.

Submission:

Labcorp Genetics (formerly Invitae), Labcorp
Classification: Uncertain significance for Hemophagocytic lymphohistiocytosis, familial, 3. Last evaluated: 2019-03-11. Review status: criteria provided, single submitter. Criteria: Invitae Variant Classification Sherloc (09022015). Collection method: clinical testing. Allele origin: germline.
Comment: This sequence change replaces proline with leucine at codon 652 of the UNC13D protein (p.Pro652Leu). The proline residue is moderately conserved and there is a moderate physicochemical difference between proline and leucine. This variant is present in population databases (rs746256202, ExAC 0.006%). This variant has not been reported in the literature in individuals with UNC13D-related conditions. Algorithms developed to predict the effect of missense changes on protein structure and function are either unavailable or do not agree on the potential impact of this missense change (SIFT: "Tolerated"; PolyPhen-2: "Possibly Damaging"; Align-GVGD: "Class C0"). In summary, the available evidence is currently insufficient to determine the role of this variant in disease. Therefore, it has been classified as a Variant of Uncertain Significance.

NM_199242.3(UNC13D):c.1955C>T (p.Pro652Leu)

Gene: UNC13D (unc-13 homolog D; minus strand). Cytogenetic location: 17q25.1.
Variant type: single nucleotide variant.
Coding change: c.1955C>T on transcript NM_199242.3 (MANE Select); coding-DNA position 1955, C replaced by T.
Protein change: p.Pro652Leu; replaces proline 652 with leucine.
Molecular consequence: missense variant.
Genome position (GRCh38, 1-based): chr17:75,834,957, G>A on the plus strand (C>T on the coding strand, the complement: UNC13D is on the minus strand). VCF-style: chr17-75834957-G-A. GRCh37 (hg19) VCF-style: chr17-73831038-G-A.
Other names: short protein forms P652L.
Identifiers: ClinVar variation 855430 (VCV000855430.1), dbSNP rs746256202, ClinGen allele CA8772741.
Genomic context (GRCh38, chr17:75,834,957, plus strand): 5'-AGGACACGTGGAAGATGCCGCACCTCCACAAACTTGACGGTAATCATGAAGGCCTCCTCT[G>A]GGTCTGGCCAGTCCAGCTGCCGGGCAGTGTGGCTGATCTGGGCAAAGCAGGTGGATAGAT-3'
Protein context (NP_954712.1, residues 642-662): HTARQLDWPD[Pro652Leu]EEAFMITVKF